The following is an entry in ClinVar:

ClinVar aggregate classification (germline): Pathogenic/Likely pathogenic. Review status: criteria provided, multiple submitters, no conflicts (2 of 4 stars). 2 submissions from 2 submitters: Pathogenic (1); Likely pathogenic (1). Last evaluated 2024-12-02.

Conditions:
COG5-congenital disorder of glycosylation. Also called: COG5-CDG; CDG IIi; CONGENITAL DISORDER OF GLYCOSYLATION, TYPE IIi. Identifiers: Orphanet 263487, MedGen C3150876, MONDO:0013325, OMIM 613612.
COG5-related disorders.

Submissions (2):

Labcorp Genetics (formerly Invitae), Labcorp
Classification: Pathogenic for COG5-congenital disorder of glycosylation. Last evaluated: 2024-12-02. Review status: criteria provided, single submitter. Criteria: Invitae Variant Classification Sherloc (09022015). Collection method: clinical testing. Allele origin: germline.
Comment: This sequence change creates a premature translational stop signal (p.Arg754Aspfs*11) in the COG5 gene. It is expected to result in an absent or disrupted protein product. Loss-of-function variants in COG5 are known to be pathogenic (PMID: 23228021). This variant is not present in population databases (gnomAD no frequency). This variant has not been reported in the literature in individuals affected with COG5-related conditions. ClinVar contains an entry for this variant (Variation ID: 1412792). For these reasons, this variant has been classified as Pathogenic.

Blueprint Genetics
Classification: Likely pathogenic for COG5-related disorders. Last evaluated: 2020-11-10. Review status: criteria provided, single submitter. Criteria: ACMG Guidelines, 2015. Collection method: clinical testing. Allele origin: germline. Affected: yes. Observed: 3 variant alleles.

Literature cited by the submitters: PubMed 23228021 (cited by Labcorp Genetics (formerly Invitae), Labcorp).

NM_006348.5(COG5):c.2167del (p.Arg723fs)

Gene: COG5 (component of oligomeric golgi complex 5; minus strand). Cytogenetic location: 7q22.3.
Variant type: Deletion.
Coding change: c.2167del on transcript NM_006348.5 (MANE Select); coding-DNA position 2167, one base deleted (A; older notation c.2167delA).
Protein change: p.Arg723fs; shifts the reading frame from arginine 723.
Molecular consequence: frameshift variant. On other transcripts: intron variant (1).
Genome position (GRCh38, 1-based): chr7:107,230,616, T deleted on the plus strand (A on the coding strand, the reverse complement: COG5 is on the minus strand). VCF-style (leftmost placement, unchanged base first): chr7-107230615-CT-C. GRCh37 (hg19) VCF-style: chr7-106871060-CT-C.
Other names: c.2167del, p.Arg723fs (NM_001161520.2, NM_001379513.1); c.2005del, p.Arg669fs (NM_001379511.1); c.1993del, p.Arg665fs (NM_001379512.1); c.1597del, p.Arg533fs (NM_001379515.1); c.1453del, p.Arg485fs (NM_001379516.1); c.2104del, p.Arg702fs (NM_181733.4); c.1853+17780del (NM_001379514.1); short protein forms R485fs, R665fs, R533fs, R723fs, R669fs, R702fs.
Identifiers: ClinVar variation 1412792 (VCV001412792.7), dbSNP rs2116402799, ClinGen allele CA2573141373.
Genomic context (GRCh38, chr7:107,230,615, plus strand): 5'-CACAGAAAGGATTTATTTGCCTGGAGGATATGAATGTATGAACAAAGAATTCGGTCTTAC[CT>C]GAATGATCTCAGCATCCGATAGGACTTTCCTAAATCAGATACTCGTCTACAGAATGGACC-3'